The following is an entry in ClinVar:

ClinVar aggregate classification (germline): Likely benign (1 of 4 stars; one submission).

Submission:

CeGaT Center for Human Genetics Tuebingen
Classification: Likely benign. Last evaluated: 2025-09-01. Review status: criteria provided, single submitter. Criteria: CeGaT Center For Human Genetics Tuebingen Variant Classification Criteria Version 2. Collection method: clinical testing. Allele origin: germline. Affected: yes. Observed: 2 variant alleles.
Comment: APC2: BP4, BP7

NM_005883.3(APC2):c.1011A>C (p.Ala337=)

Gene: APC2 (APC regulator of Wnt signaling pathway 2; plus strand). Cytogenetic location: 19p13.3.
Variant type: single nucleotide variant.
Coding change: c.1011A>C on transcript NM_005883.3 (MANE Select); coding-DNA position 1011, A replaced by C.
Protein change: p.Ala337=; no amino-acid change (alanine 337 retained).
Molecular consequence: synonymous variant.
Genome position (GRCh38, 1-based): chr19:1,457,047, A>C. VCF-style: chr19-1457047-A-C. GRCh37 (hg19) VCF-style: chr19-1457046-A-C.
Other names: c.1008A>C, p.Ala336= (NM_001351273.1).
Identifiers: ClinVar variation 3898334 (VCV003898334.7).